The following is an entry in ClinVar:

ClinVar aggregate classification (germline): Uncertain significance (1 of 4 stars; one submission).

Conditions:
Congenital myasthenic syndrome 4A. Also called: Myasthenic syndrome, congenital, 4a, slow-channel; MYASTHENIC SYNDROME, CONGENITAL, 4A, SLOW-CHANNEL, AUTOSOMAL RECESSIVE; CONGENITAL MYASTHENIC SYNDROME TYPE Ia1. Identifiers: Orphanet 590, MedGen C4225413, MONDO:0011600, OMIM 605809.

Allele frequency attached by ClinVar (database versions not stated): gnomAD exomes 0.00001; TOPMed 0.00001; gnomAD 0.00002.

Submission:

Labcorp Genetics (formerly Invitae), Labcorp
Classification: Uncertain significance for Congenital myasthenic syndrome 4A. Last evaluated: 2024-07-15. Review status: criteria provided, single submitter. Criteria: Invitae Variant Classification Sherloc (09022015). Collection method: clinical testing. Allele origin: germline.
Comment: This sequence change replaces serine, which is neutral and polar, with arginine, which is basic and polar, at codon 88 of the CHRNE protein (p.Ser88Arg). This variant is present in population databases (no rsID available, gnomAD 0.002%). This variant has not been reported in the literature in individuals affected with CHRNE-related conditions. ClinVar contains an entry for this variant (Variation ID: 2177996). Advanced modeling of protein sequence and biophysical properties (such as structural, functional, and spatial information, amino acid conservation, physicochemical variation, residue mobility, and thermodynamic stability) performed at Invitae indicates that this missense variant is not expected to disrupt CHRNE protein function with a negative predictive value of 80%. In summary, the available evidence is currently insufficient to determine the role of this variant in disease. Therefore, it has been classified as a Variant of Uncertain Significance.

NM_000080.4(CHRNE):c.264C>A (p.Ser88Arg)

Genes: C17orf107 (chromosome 17 open reading frame 107; plus strand), CHRNE (cholinergic receptor nicotinic epsilon subunit; minus strand). Cytogenetic location: 17p13.2.
Variant type: single nucleotide variant.
Coding change: c.264C>A on transcript NM_000080.4 (MANE Select); coding-DNA position 264, C replaced by A.
Protein change: p.Ser88Arg; replaces serine 88 with arginine.
Molecular consequence: missense variant. On other transcripts: 3 prime UTR variant (1).
Genome position (GRCh38, 1-based): chr17:4,902,297, G>T on the plus strand (C>A on the coding strand, the complement: CHRNE is on the minus strand). VCF-style: chr17-4902297-G-T. GRCh37 (hg19) VCF-style: chr17-4805592-G-T.
Other names: c.*1764G>T (NM_001145536.2); short protein forms S88R.
Identifiers: ClinVar variation 2177996 (VCV002177996.3), dbSNP rs1412898874, ClinGen allele CA397307215.